The following is an entry in ClinVar:

ClinVar aggregate classification (germline): Uncertain significance (1 of 4 stars; one submission).

Conditions:
Cystic fibrosis (CF). Also called: MUCOVISCIDOSIS. Identifiers: Orphanet 586, MedGen C0010674, MONDO:0009061, OMIM 219700. Disease mechanism: loss of function.

gnomAD v4.1: 3 of 1,614,038 alleles (0.00019%); highest among the groups gnomAD compares: Admixed American, 0.0017%; no homozygotes.

Submission:

Ambry Genetics
Classification: Uncertain significance for Cystic fibrosis. Last evaluated: 2025-05-08. Review status: criteria provided, single submitter. Criteria: Ambry Variant Classification Scheme 2023. Collection method: clinical testing. Allele origin: germline.
Comment: The p.I1441V variant (also known as c.4321A>G), located in coding exon 27 of the CFTR gene, results from an A to G substitution at nucleotide position 4321. The isoleucine at codon 1441 is replaced by valine, an amino acid with highly similar properties. This amino acid position is well conserved in available vertebrate species. In addition, this alteration is predicted to be tolerated by in silico analysis. Based on the available evidence, the clinical significance of this variant remains unclear.

NM_000492.4(CFTR):c.4321A>G (p.Ile1441Val)

Genes: CFTR (CF transmembrane conductance regulator; plus strand), LOC111674477 (CFTR intron 23 enhancer; plus strand). Cytogenetic location: 7q31.2.
Variant type: single nucleotide variant.
Coding change: c.4321A>G on transcript NM_000492.4 (MANE Select); coding-DNA position 4321, A replaced by G.
Protein change: p.Ile1441Val; replaces isoleucine 1441 with valine.
Molecular consequence: missense variant.
Genome position (GRCh38, 1-based): chr7:117,666,986, A>G. VCF-style: chr7-117666986-A-G. GRCh37 (hg19) VCF-style: chr7-117307040-A-G.
Other names: short protein forms I1441V.
Identifiers: ClinVar variation 4001812 (VCV004001812.1).